The following is an entry in ClinVar:

ClinVar aggregate classification (germline): Uncertain significance. Review status: criteria provided, multiple submitters, no conflicts (2 of 4 stars). 2 submissions from 2 submitters: Uncertain significance (2). Last evaluated 2022-07-19.

Conditions:
Congenital sideroblastic anemia-B-cell immunodeficiency-periodic fever-developmental delay syndrome. Also called: Sideroblastic anemia with B-cell immunodeficiency, periodic fevers, and developmental delay. Identifiers: Orphanet 369861, MedGen C4015172, MONDO:0014487, OMIM 616084.
Inborn genetic diseases. Identifiers: MedGen C0950123, MeSH D030342.

Allele frequency attached by ClinVar (database versions not stated): gnomAD exomes 0.00001; ExAC 0.00002; TOPMed 0.00003; ESP Exome Variant Server 0.00008.
gnomAD v4.1: 21 of 1,613,864 alleles (0.0013%); highest among the groups gnomAD compares: Non-Finnish European, 0.0017%; no homozygotes.

Submissions (2):

Labcorp Genetics (formerly Invitae), Labcorp
Classification: Uncertain significance for Congenital sideroblastic anemia-B-cell immunodeficiency-periodic fever-developmental delay syndrome. Last evaluated: 2022-07-19. Review status: criteria provided, single submitter. Criteria: Invitae Variant Classification Sherloc (09022015). Collection method: clinical testing. Allele origin: germline.
Comment: This sequence change replaces leucine, which is neutral and non-polar, with valine, which is neutral and non-polar, at codon 296 of the TRNT1 protein (p.Leu296Val). This variant is present in population databases (rs374592904, gnomAD 0.004%). This variant has not been reported in the literature in individuals affected with TRNT1-related conditions. ClinVar contains an entry for this variant (Variation ID: 1040160). Algorithms developed to predict the effect of missense changes on protein structure and function are either unavailable or do not agree on the potential impact of this missense change (SIFT: "Deleterious"; PolyPhen-2: "Possibly Damaging"; Align-GVGD: "Class C15"). In summary, the available evidence is currently insufficient to determine the role of this variant in disease. Therefore, it has been classified as a Variant of Uncertain Significance.

Ambry Genetics
Classification: Uncertain significance for Inborn genetic diseases. Last evaluated: 2022-04-07. Review status: criteria provided, single submitter. Criteria: Ambry Variant Classification Scheme 2023. Collection method: clinical testing. Allele origin: germline.

NM_182916.3(TRNT1):c.886T>G (p.Leu296Val)

Gene: TRNT1 (tRNA nucleotidyl transferase 1; plus strand). Cytogenetic location: 3p26.2.
Variant type: single nucleotide variant.
Coding change: c.886T>G on transcript NM_182916.3 (MANE Select); coding-DNA position 886, T replaced by G.
Protein change: p.Leu296Val; replaces leucine 296 with valine.
Molecular consequence: missense variant. On other transcripts: non-coding transcript variant (8).
Genome position (GRCh38, 1-based): chr3:3,147,533, T>G. VCF-style: chr3-3147533-T-G. GRCh37 (hg19) VCF-style: chr3-3189217-T-G.
Other names: c.826T>G, p.Leu276Val (NM_001302946.2); c.886T>G, p.Leu296Val (NM_001367321.1, NM_001367322.1, NM_001367323.1); c.886T>G (NM_182916.2); short protein forms L276V, L296V.
Identifiers: ClinVar variation 1040160 (VCV001040160.4), dbSNP rs374592904, ClinGen allele CA2228821.
Genomic context (GRCh38, chr3:3,147,533, plus strand): 5'-GAAGAATTTGACAAAGTCAGTAAAAATGTTGATGGTTTTTCACCAAAGCCAGTGACTCTT[T>G]TGGCCTCATTATTCAAAGTACAAGATGATGTCACAAAATTGGATTTGAGGTTGAAGATCG-3'
Protein context (NP_886552.3, residues 286-306): DGFSPKPVTL[Leu296Val]ASLFKVQDDV